The following is an entry in ClinVar:

NC_000009.12:g.32526235G>C

Gene: LOC130001628 (ATAC-STARR-seq lymphoblastoid active region 28262; plus strand). Cytogenetic location: 9p21.1.
Variant type: single nucleotide variant.
Genome position: GRCh38 VCF-style: chr9-32526235-G-C. GRCh37 (hg19) VCF-style: chr9-32526233-G-C.
Identifiers: ClinVar variation 2637878 (VCV002637878.2), dbSNP rs3739674, ClinGen allele CA12954077.
Genomic context (GRCh38, chr9:32,526,235, plus strand): 5'-CTGCTTGCAGCTAGCTACGTTCCCCGCAGGCTGTGCCTCACTAGCTTTAAAGCCGGGTAG[G>C]AGGAGGGCGTGGCGAGCGGGGAAAGCAGGGATTTTCCGAGGAAATGAGGCCGGACGCGAG-3'

ClinVar aggregate classification (germline): Benign (1 of 4 stars; one submission).

Submission:

Unidad de Genómica Garrahan, Hospital de Pediatría Garrahan
Classification: Benign. Last evaluated: 2023-11-14. Review status: criteria provided, single submitter. Criteria: ACMG Guidelines, 2015. Collection method: clinical testing. Allele origin: germline. Affected: no. Observed: 42 variant alleles.
Comment: This variant is classified as Benign based on local population frequency. This variant was detected in 44% of patients studied by a panel of primary immunodeficiencies. Number of patients: 42. Only high quality variants are reported.